The following is an entry in ClinVar:

ClinVar aggregate classification (germline): Uncertain significance (1 of 4 stars; one submission).

Conditions:
Epidermolysis bullosa simplex with nail dystrophy (EBS5D). Identifiers: MedGen C4225309, MONDO:0014661, OMIM 616487.
Epidermolysis bullosa simplex, Ogna type (EBS5A). Also called: EPIDERMOLYSIS BULLOSA SIMPLEX 5A, OGNA TYPE; Pidermolysis bullosa simplex 5A, Ogna type. Identifiers: Orphanet 79401, MedGen C0432317, MONDO:0007555, OMIM 131950.
Autosomal recessive limb-girdle muscular dystrophy type 2Q (LGMDR17). Also called: MUSCULAR DYSTROPHY, LIMB-GIRDLE, AUTOSOMAL RECESSIVE 17. Identifiers: Orphanet 254361, MedGen C3150989, MONDO:0013390, OMIM 613723.
Epidermolysis bullosa simplex 5B, with muscular dystrophy (EBS5B). Also called: EPIDERMOLYSIS BULLOSA SIMPLEX AND LIMB-GIRDLE MUSCULAR DYSTROPHY; Epidermolysis bullosa simplex with muscular dystrophy. Identifiers: Orphanet 257, MedGen C2931072, MONDO:0009181, OMIM 226670.
Epidermolysis bullosa simplex 5C, with pyloric atresia (EBS5C). Also called: PLEC-Related Epidermolysis Bullosa with Pyloric Atresia; Epidermolysis bullosa simplex with pyloric atresia; PLEC1-Related Epidermolysis Bullosa with Pyloric Atresia. Identifiers: Orphanet 158684, MedGen C2677349, MONDO:0012807, OMIM 612138.

gnomAD v4.1: 1 of 1,586,026 alleles (0.000063%); highest among the groups gnomAD compares: Non-Finnish European, 0.000086%; no homozygotes.

Submission:

Labcorp Genetics (formerly Invitae), Labcorp
Classification: Uncertain significance for Autosomal recessive limb-girdle muscular dystrophy type 2Q; Epidermolysis bullosa simplex, Ogna type; Epidermolysis bullosa simplex with nail dystrophy; Epidermolysis bullosa simplex 5C, with pyloric atresia; Epidermolysis bullosa simplex 5B, with muscular dystrophy. Last evaluated: 2025-02-24. Review status: criteria provided, single submitter. Criteria: Invitae Variant Classification Sherloc (09022015). Collection method: clinical testing. Allele origin: germline.
Comment: This sequence change replaces arginine, which is basic and polar, with glycine, which is neutral and non-polar, at codon 2399 of the PLEC protein (p.Arg2399Gly). This variant is not present in population databases (gnomAD no frequency). This variant has not been reported in the literature in individuals affected with PLEC-related conditions. Invitae Evidence Modeling of protein sequence and biophysical properties (such as structural, functional, and spatial information, amino acid conservation, physicochemical variation, residue mobility, and thermodynamic stability) indicates that this missense variant is expected to disrupt PLEC protein function with a positive predictive value of 80%. In summary, the available evidence is currently insufficient to determine the role of this variant in disease. Therefore, it has been classified as a Variant of Uncertain Significance.

NM_201384.3(PLEC):c.7114C>G (p.Arg2372Gly)

Gene: PLEC (plectin; minus strand). Cytogenetic location: 8q24.3.
Variant type: single nucleotide variant.
Coding change: c.7114C>G on transcript NM_201384.3 (MANE Select); coding-DNA position 7114, C replaced by G.
Protein change: p.Arg2372Gly; replaces arginine 2372 with glycine.
Molecular consequence: missense variant. On other transcripts: intron variant (1).
Genome position (GRCh38, 1-based): chr8:143,922,815, G>C on the plus strand (C>G on the coding strand, the complement: PLEC is on the minus strand). VCF-style: chr8-143922815-G-C. GRCh37 (hg19) VCF-style: chr8-144996983-G-C.
Other names: c.7195C>G, p.Arg2399Gly (NM_000445.5); c.7072C>G, p.Arg2358Gly (NM_201378.4); c.7048C>G, p.Arg2350Gly (NM_201379.3); c.7525C>G, p.Arg2509Gly (NM_201380.4); c.7018C>G, p.Arg2340Gly (NM_201381.3); c.7114C>G, p.Arg2372Gly (NM_201382.4); c.7126C>G, p.Arg2376Gly (NM_201383.3); c.4126-420C>G (NM_001410941.1); short protein forms R2358G, R2372G, R2376G, R2350G, R2509G, R2340G, R2399G.
Identifiers: ClinVar variation 4789009 (VCV004789009.1).